The following is an entry in ClinVar:

ClinVar aggregate classification (germline): not provided (0 of 4 stars; one submission).

Conditions:
Normal pregnancy. Identifiers: MedGen C0232989.

Submission:

Institute of Molecular and Cell Biology, University of Tartu
No classification provided. Condition: Normal pregnancy. Review status: no classification provided. Collection method: case-control. Allele origin: unknown. Affected: yes. Study: Kasak2014.
Comment: The study aimed to determine the contribution of copy number variants in the genetic etiology of normal and complicated pregnancies. The samples represented (i) maternal blood DNA drawn from healthy pregnant women during 1st or 2nd trimester and (ii) maternal and paternal blood DNA drawn at term pregnancy cases representing normal and complicated gestations (severe preeclampsia, PE; gestational diabetes, GD; small-for-gestational age newborn, SGA; large-for-gestational age newborn, LGA). We performed CNV calling based on genome-wide genotyping dataset (Illumina HumanOmniExpress-24-v1 BeadChip) by applying three algorithms, QuantiSNP, GADA (Genome Alteration Detection Algorithm) and CNstream in parallel. The acquired CNV calls were merged with HD-CNV (Hotspot Detector for Copy Number Variants) program and only the CNVs predicted by at least two programs, were considered in subsequent analysis.

Literature cited by the submitters: PubMed 25666259.

NC_000007.14:g.150856388_150863235del

Gene: AOC1 (amine oxidase copper containing 1; plus strand). Cytogenetic location: 7q36.1.
Variant type: Deletion.
Genome position: GRCh38: chr7:150,856,388-150,863,235. GRCh37 (hg19): chr7:150,553,476-150,560,323.
Identifiers: ClinVar variation 157080 (VCV000157080.3), ClinGen allele CA212204.